The following is an entry in ClinVar:

ClinVar aggregate classification (germline): Uncertain significance (1 of 4 stars; one submission).

Conditions:
Cardiovascular phenotype. Identifiers: MedGen CN230736.
Hereditary cancer-predisposing syndrome. Also called: Neoplastic Syndromes, Hereditary; Tumor predisposition; Hereditary neoplastic syndrome; Hereditary Cancer Syndrome. Identifiers: Orphanet 140162, MedGen C0027672, MeSH D009386, MONDO:0015356.

Submission:

Ambry Genetics
Classification: Uncertain significance for Cardiovascular phenotype; Hereditary cancer-predisposing syndrome. Last evaluated: 2026-07-15. Review status: criteria provided, single submitter. Criteria: Ambry Variant Classification Scheme 2023. Collection method: clinical testing. Allele origin: germline.
Comment: The p.I2644V variant (also known as c.7930A>G), located in coding exon 54 of the NF1 gene, results from an A to G substitution at nucleotide position 7930. The isoleucine at codon 2644 is replaced by valine, an amino acid with highly similar properties. This amino acid position is conserved. In addition, this alteration is predicted to be tolerated by in silico analysis. Based on the available evidence, the clinical significance of this variant remains unclear.

NM_001042492.3(NF1):c.7993A>G (p.Ile2665Val)

Gene: NF1 (neurofibromin 1; plus strand). Cytogenetic location: 17q11.2.
Variant type: single nucleotide variant.
Coding change: c.7993A>G on transcript NM_001042492.3 (MANE Select); coding-DNA position 7993, A replaced by G.
Protein change: p.Ile2665Val; replaces isoleucine 2665 with valine.
Molecular consequence: missense variant.
Genome position (GRCh38, 1-based): chr17:31,358,502, A>G. VCF-style: chr17-31358502-A-G. GRCh37 (hg19) VCF-style: chr17-29685520-A-G.
Other names: c.7930A>G, p.Ile2644Val (NM_000267.4); short protein forms I2644V, I2665V.
Identifiers: ClinVar variation 5025568 (VCV005025568.1).
Genomic context (GRCh38, chr17:31,358,502, plus strand): 5'-TCTAAAATGTTCCTCTGTTGACTTTTTTTTTCTTTTAGGCATAATTTGTTGGACTCTAAG[A>G]TCAACACCCTGTTATCATTGTGCCAAGATCCAAATTTGTTAAATCCAATCCATGGAATTG-3'
Protein context (NP_001035957.1, residues 2655-2675): PVVHNLLDSK[Ile2665Val]NTLLSLCQDP